The following is an entry in ClinVar:

ClinVar aggregate classification (germline): Uncertain significance. Review status: criteria provided, multiple submitters, no conflicts (2 of 4 stars). 3 submissions from 3 submitters: Uncertain significance (3). Last evaluated 2025-11-05.

Conditions:
Hyperkalemic periodic paralysis. Also called: Familial hyperkalemic periodic paralysis; Gamstorp disease. Identifiers: Orphanet 682, MedGen C0238357, MONDO:0008224, OMIM 170500, HP:0007215.
Congenital myopathy 22A, classic (CMYO22A). Identifiers: MedGen C5830453, MONDO:0957247, OMIM 620351.
Potassium-aggravated myotonia. Also called: MYOTONIA CONGENITA, ACETAZOLAMIDE-RESPONSIVE; MYOTONIA CONGENITA, ATYPICAL; SODIUM CHANNEL MUSCLE DISEASE; Myotonia congenita, atypical, acetazolamide-responsive. Identifiers: Orphanet 612, Orphanet 99734, Orphanet 99735, Orphanet 99736, MedGen C2931826, MONDO:0018959, OMIM 608390.
Hypokalemic periodic paralysis, type 2 (HOKPP2). Identifiers: Orphanet 681, MedGen C2750061, MONDO:0013234, OMIM 613345.
Congenital myopathy 22B, severe fetal (CMYO22B). Identifiers: MedGen C5830501, MONDO:0957265, OMIM 620369.
Congenital myasthenic syndrome 16. Identifiers: Orphanet 590, MedGen C3280112, MONDO:0013620, OMIM 614198.
Paramyotonia congenita of Von Eulenburg. Also called: PARALYSIS PERIODICA PARAMYOTONICA; Eulenburg disease; Myotonia congenita intermittens; Von Eulenburg paramyotonia congenita; Paramyotonia Congenita. Identifiers: Orphanet 684, MedGen C0221055, MONDO:0008195, OMIM 168300. Disease mechanism: loss of function.
Inborn genetic diseases. Identifiers: MedGen C0950123, MeSH D030342.

Allele frequency attached by ClinVar (database versions not stated): TOPMed 0.00003.
gnomAD v4.1: 7 of 1,587,484 alleles (0.00044%); highest among the groups gnomAD compares: Admixed American, 0.0036%; no homozygotes.

Submissions (3):

Ambry Genetics
Classification: Uncertain significance for Inborn genetic diseases. Last evaluated: 2025-11-05. Review status: criteria provided, single submitter. Criteria: Ambry Variant Classification Scheme 2023. Collection method: clinical testing. Allele origin: germline.

Fulgent Genetics
Classification: Uncertain significance for Paramyotonia congenita of Von Eulenburg; Hyperkalemic periodic paralysis; Potassium-aggravated myotonia; Hypokalemic periodic paralysis, type 2; Congenital myasthenic syndrome 16; Congenital myopathy 22A, classic; Congenital myopathy 22B, severe fetal. Last evaluated: 2023-12-26. Review status: criteria provided, single submitter. Criteria: ACMG Guidelines, 2015. Collection method: clinical testing. Allele origin: germline.

Labcorp Genetics (formerly Invitae), Labcorp
Classification: Uncertain significance for Hyperkalemic periodic paralysis. Last evaluated: 2022-08-22. Review status: criteria provided, single submitter. Criteria: Invitae Variant Classification Sherloc (09022015). Collection method: clinical testing. Allele origin: germline.
Comment: The frequency data for this variant in the population databases is considered unreliable, as metrics indicate poor data quality at this position in the gnomAD database. This sequence change replaces proline, which is neutral and non-polar, with threonine, which is neutral and polar, at codon 990 of the SCN4A protein (p.Pro990Thr). In summary, the available evidence is currently insufficient to determine the role of this variant in disease. Therefore, it has been classified as a Variant of Uncertain Significance. Algorithms developed to predict the effect of missense changes on protein structure and function (SIFT, PolyPhen-2, Align-GVGD) all suggest that this variant is likely to be disruptive. This variant has not been reported in the literature in individuals affected with SCN4A-related conditions.

NM_000334.4(SCN4A):c.2968C>A (p.Pro990Thr)

Genes: GH-LCR (growth hormone locus control region; plus strand), SCN4A (sodium voltage-gated channel alpha subunit 4; minus strand). Cytogenetic location: 17q23.3.
Variant type: single nucleotide variant.
Coding change: c.2968C>A on transcript NM_000334.4 (MANE Select); coding-DNA position 2968, C replaced by A.
Protein change: p.Pro990Thr; replaces proline 990 with threonine.
Molecular consequence: missense variant.
Genome position (GRCh38, 1-based): chr17:63,949,414, G>T on the plus strand (C>A on the coding strand, the complement: SCN4A is on the minus strand). VCF-style: chr17-63949414-G-T. GRCh37 (hg19) VCF-style: chr17-62026774-G-T.
Other names: short protein forms P990T.
Identifiers: ClinVar variation 1980423 (VCV001980423.5), dbSNP rs746636914, ClinGen allele CA8709440.